The following is an entry in ClinVar:

ClinVar aggregate classification (germline): Uncertain significance. Review status: criteria provided, multiple submitters, no conflicts (2 of 4 stars). 3 submissions from 3 submitters: Uncertain significance (3). Last evaluated 2026-09-11.

Conditions:
Cardiovascular phenotype. Identifiers: MedGen CN230736.
Hypercholesterolemia, autosomal dominant, type B (FHCL2). Also called: Familial hypercholesterolemia 2; Familial Hypercholesterolemia Type B; APOLIPOPROTEIN B-100, FAMILIAL DEFECTIVE; APOLIPOPROTEIN B-100, FAMILIAL LIGAND-DEFECTIVE; HYPERCHOLESTEROLEMIA, FAMILIAL, DUE TO LIGAND-DEFECTIVE APOLIPOPROTEIN B; APOB-Related Familial Hypercholesterolemia, Autosomal Dominant. Identifiers: MedGen C1704417, MONDO:0007751, OMIM 144010.
Familial hypobetalipoproteinemia 1. Also called: APOB-Related Familial Hypobetalipoproteinemia; Hypobetalipoproteinemia, normotriglyceridemic; Acanthocytosis with hypobetalipoproteinemia. Identifiers: MedGen C4551990, MONDO:0014252, OMIM 615558.

Allele frequency attached by ClinVar (database versions not stated): gnomAD 0.00001; gnomAD exomes 0.00001 and below 0.00001; TOPMed below 0.00001; ExAC 0.00001.
gnomAD v4.1: 5 of 1,614,004 alleles (0.00031%); highest among the groups gnomAD compares: South Asian, 0.0055%; no homozygotes.

Submissions (3):

Ambry Genetics
Classification: Uncertain significance for Cardiovascular phenotype. Last evaluated: 2026-09-11. Review status: criteria provided, single submitter. Criteria: Ambry Variant Classification Scheme 2023. Collection method: clinical testing. Allele origin: germline.
Comment: The p.E2458D variant (also known as c.7374A>T), located in coding exon 26 of the APOB gene, results from an A to T substitution at nucleotide position 7374. The glutamic acid at codon 2458 is replaced by aspartic acid, an amino acid with highly similar properties. This amino acid position is conserved. In addition, this alteration is predicted to be tolerated by in silico analysis. Based on the available evidence, the clinical significance of this variant remains unclear.

Quest Diagnostics Nichols Institute San Juan Capistrano
Classification: Uncertain significance. Last evaluated: 2024-07-11. Review status: criteria provided, single submitter. Criteria: Quest Diagnostics criteria. Collection method: clinical testing. Allele origin: unknown.
Comment: The APOB c.7374A>T (p.Glu2458Asp) variant has not been reported in individuals with APOB-related conditions in the published literature. The frequency of this variant in the general population, 0.000004 (1/251098 chromosomes (Genome Aggregation Database)), is uninformative in the assessment of its pathogenicity. Analysis of this variant using bioinformatics tools for the prediction of the effect of amino acid changes on protein structure and function yielded predictions that this variant is benign. Based on the available information, we are unable to determine the clinical significance of this variant.

Labcorp Genetics (formerly Invitae), Labcorp
Classification: Uncertain significance for Familial hypobetalipoproteinemia 1; Hypercholesterolemia, autosomal dominant, type B. Last evaluated: 2021-10-05. Review status: criteria provided, single submitter. Criteria: Invitae Variant Classification Sherloc (09022015). Collection method: clinical testing. Allele origin: germline.
Comment: This sequence change replaces glutamic acid with aspartic acid at codon 2458 of the APOB protein (p.Glu2458Asp). The glutamic acid residue is moderately conserved and there is a small physicochemical difference between glutamic acid and aspartic acid. This variant is present in population databases (rs766371877, ExAC 0.006%). This variant has not been reported in the literature in individuals affected with APOB-related conditions. Algorithms developed to predict the effect of missense changes on protein structure and function output the following: SIFT: "Deleterious"; PolyPhen-2: "Benign"; Align-GVGD: "Class C0". The aspartic acid amino acid residue is found in multiple mammalian species, which suggests that this missense change does not adversely affect protein function. In summary, the available evidence is currently insufficient to determine the role of this variant in disease. Therefore, it has been classified as a Variant of Uncertain Significance.

NM_000384.3(APOB):c.7374A>T (p.Glu2458Asp)

Gene: APOB (apolipoprotein B; minus strand). Cytogenetic location: 2p24.1.
Variant type: single nucleotide variant.
Coding change: c.7374A>T on transcript NM_000384.3 (MANE Select); coding-DNA position 7374, A replaced by T.
Protein change: p.Glu2458Asp; replaces glutamic acid 2458 with aspartic acid.
Molecular consequence: missense variant.
Genome position (GRCh38, 1-based): chr2:21,009,494, T>A on the plus strand (A>T on the coding strand, the complement: APOB is on the minus strand). VCF-style: chr2-21009494-T-A. GRCh37 (hg19) VCF-style: chr2-21232366-T-A.
Other names: c.7374A>T (NM_000384.2); short protein forms E2458D.
Identifiers: ClinVar variation 1483674 (VCV001483674.9), dbSNP rs766371877, ClinGen allele CA064363.